The following is an entry in ClinVar:

NM_002439.5(MSH3):c.2346_2347del (p.Pro783fs)

Gene: MSH3 (mutS homolog 3; plus strand). Cytogenetic location: 5q14.1.
Variant type: Microsatellite.
Coding change: c.2346_2347del on transcript NM_002439.5 (MANE Select); coding-DNA positions 2346 to 2347, 2 bases deleted (TC; older notation c.2346_2347delTC).
Protein change: p.Pro783fs; shifts the reading frame from proline 783.
Molecular consequence: frameshift variant.
Genome position (GRCh38, 1-based): chr5:80,778,747-80,778,748, TC deleted; deleting any 2 consecutive bases within chr5:80,778,744-80,778,748 gives the same sequence; the c. name uses the placement nearest the transcript's 3' end. VCF-style (leftmost placement, unchanged base first): chr5-80778743-ACT-A. GRCh37 (hg19) VCF-style: chr5-80074562-ACT-A.
Other names: short protein forms P783fs.
Identifiers: ClinVar variation 1983218 (VCV001983218.4), dbSNP rs2546779510, ClinGen allele CA645557782.
Genomic context (GRCh38, chr5:80,778,743, plus strand): 5'-CCTTGATTTCCTATTTGTGTTCTTTCCCCTCTTCTAGCACAAAAGCTGTGAGCCGCTTTC[ACT>A]CTCCTTTTATTGTAGAAAATTACAGACATCTGAATCAGCTCCGGGAGCAGCTAGTCCTTG-3'

ClinVar aggregate classification (germline): Pathogenic (1 of 4 stars; one submission).

Submission:

Labcorp Genetics (formerly Invitae), Labcorp
Classification: Pathogenic. Last evaluated: 2022-07-16. Review status: criteria provided, single submitter. Criteria: Invitae Variant Classification Sherloc (09022015). Collection method: clinical testing. Allele origin: germline.
Comment: For these reasons, this variant has been classified as Pathogenic. This variant has not been reported in the literature in individuals affected with MSH3-related conditions. This variant is not present in population databases (gnomAD no frequency). This sequence change creates a premature translational stop signal (p.Pro783Phefs*19) in the MSH3 gene. It is expected to result in an absent or disrupted protein product. Loss-of-function variants in MSH3 are known to be pathogenic (PMID: 27476653).

Literature cited by the submitters: PubMed 27476653.